The following is an entry in ClinVar:

NM_001347721.2(DYRK1A):c.208-14T>C

Gene: DYRK1A (dual specificity tyrosine phosphorylation regulated kinase 1A; plus strand). Cytogenetic location: 21q22.13.
Variant type: single nucleotide variant.
Coding change: c.208-14T>C on transcript NM_001347721.2 (MANE Select); 14 bases into the intron before coding-DNA position 208, T replaced by C.
Molecular consequence: intron variant. On other transcripts: missense variant (3).
Genome position (GRCh38, 1-based): chr21:37,478,194, T>C. VCF-style: chr21-37478194-T-C. GRCh37 (hg19) VCF-style: chr21-38850496-T-C.
Other names: c.221T>C, p.Ile74Thr (NM_001396.5, NM_101395.2, NM_130438.2); c.208-14T>C (NM_001347722.2, NM_130436.2); c.121-14T>C (NM_001347723.2); short protein forms I74T.
Identifiers: ClinVar variation 1722851 (VCV001722851.4), dbSNP rs1569360369, ClinGen allele CA409943273.

ClinVar aggregate classification (germline): Uncertain significance. Review status: criteria provided, multiple submitters, no conflicts (2 of 4 stars). 2 submissions from 2 submitters: Uncertain significance (2). Last evaluated 2024-11-04.

Conditions:
DYRK1A-related intellectual disability syndrome (MRD7). Also called: DYRK1A Syndrome; Intellectual developmental disorder, autosomal dominant 7. Identifiers: Orphanet 464306, MedGen C5568143, MONDO:0013578, OMIM 614104.

Allele frequency attached by ClinVar (database versions not stated): gnomAD exomes below 0.00001; TOPMed below 0.00001.
gnomAD v4.1: 1 of 1,614,074 alleles (0.000062%); no homozygotes.

Submissions (2):

Labcorp Genetics (formerly Invitae), Labcorp
Classification: Uncertain significance for DYRK1A-related intellectual disability syndrome. Last evaluated: 2024-11-04. Review status: criteria provided, single submitter. Criteria: Invitae Variant Classification Sherloc (09022015). Collection method: clinical testing. Allele origin: germline.
Comment: This sequence change replaces isoleucine, which is neutral and non-polar, with threonine, which is neutral and polar, at codon 74 of the DYRK1A protein (p.Ile74Thr). This variant is not present in population databases (gnomAD no frequency). This variant has not been reported in the literature in individuals affected with DYRK1A-related conditions. ClinVar contains an entry for this variant (Variation ID: 1722851). Invitae Evidence Modeling of protein sequence and biophysical properties (such as structural, functional, and spatial information, amino acid conservation, physicochemical variation, residue mobility, and thermodynamic stability) indicates that this missense variant is not expected to disrupt DYRK1A protein function with a negative predictive value of 95%. In summary, the available evidence is currently insufficient to determine the role of this variant in disease. Therefore, it has been classified as a Variant of Uncertain Significance.

GeneDx
Classification: Uncertain significance. Last evaluated: 2022-05-04. Review status: criteria provided, single submitter. Criteria: GeneDx Variant Classification Process June 2021. Collection method: clinical testing. Allele origin: germline. Affected: yes.
Comment: Not observed at significant frequency in large population cohorts (gnomAD); In silico analysis supports that this missense variant has a deleterious effect on protein structure/function; Has not been previously published as pathogenic or benign to our knowledge